The following is an entry in ClinVar:

ClinVar aggregate classification (germline): Uncertain significance (0 of 4 stars; one submission).

Conditions:
ADCY3-related disorder. Also called: ADCY3-related condition.

Submission:

PreventionGenetics, part of Exact Sciences
Classification: Uncertain significance for ADCY3-related condition. Last evaluated: 2024-08-06. Review status: no assertion criteria provided. Collection method: clinical testing. Allele origin: germline.
Comment: The ADCY3 c.1663G>A variant is predicted to result in the amino acid substitution p.Ala555Thr. To our knowledge, this variant has not been reported in the literature or in a large population database, indicating this variant is rare. At this time, the clinical significance of this variant is uncertain due to the absence of conclusive functional and genetic evidence.

NM_004036.5(ADCY3):c.1663G>A (p.Ala555Thr)

Gene: ADCY3 (adenylate cyclase 3; minus strand). Cytogenetic location: 2p23.3.
Variant type: single nucleotide variant.
Coding change: c.1663G>A on transcript NM_004036.5 (MANE Select); coding-DNA position 1663, G replaced by A.
Protein change: p.Ala555Thr; replaces alanine 555 with threonine.
Molecular consequence: missense variant.
Genome position (GRCh38, 1-based): chr2:24,834,936, C>T on the plus strand (G>A on the coding strand, the complement: ADCY3 is on the minus strand). VCF-style: chr2-24834936-C-T. GRCh37 (hg19) VCF-style: chr2-25057805-C-T.
Other names: c.1663G>A, p.Ala555Thr (NM_001320613.2, NM_001377129.1, NM_001377130.1 and 1 more transcripts); c.1729G>A, p.Ala577Thr (NM_001377128.1); c.940G>A, p.Ala314Thr (NM_001377131.1); short protein forms A314T, A555T, A577T.
Identifiers: ClinVar variation 3348780 (VCV003348780.1).